The following is an entry in ClinVar:

ClinVar aggregate classification (germline): Pathogenic. Review status: criteria provided, single submitter (1 of 4 stars). 2 submissions from 2 submitters: Pathogenic (1). 1 of the submissions does not count toward it. Last evaluated 2024-02-26.

Conditions:
Tuberous sclerosis syndrome (TSC). Also called: Tuberous Sclerosis Complex; Tuberous sclerosis. Identifiers: Orphanet 805, MedGen C0041341, MONDO:0001734.
Tuberous sclerosis 2 (TSC2). Identifiers: Orphanet 805, MedGen C1860707, MONDO:0013199, OMIM 613254.

Submissions (2):

Labcorp Genetics (formerly Invitae), Labcorp
Classification: Pathogenic for Tuberous sclerosis 2. Last evaluated: 2024-02-26. Review status: criteria provided, single submitter. Criteria: Invitae Variant Classification Sherloc (09022015). Collection method: clinical testing. Allele origin: germline.
Comment: This sequence change affects a donor splice site in intron 6 of the TSC2 gene. It is expected to disrupt RNA splicing. Variants that disrupt the donor or acceptor splice site typically lead to a loss of protein function (PMID: 16199547), and loss-of-function variants in TSC2 are known to be pathogenic (PMID: 10205261, 17304050). This variant is not present in population databases (gnomAD no frequency). Disruption of this splice site has been observed in individual(s) with tuberous sclerosis complex (PMID: 21811971). ClinVar contains an entry for this variant (Variation ID: 49876). Algorithms developed to predict the effect of sequence changes on RNA splicing suggest that this variant may disrupt the consensus splice site. For these reasons, this variant has been classified as Pathogenic.

Tuberous sclerosis database (TSC2)
No classification provided. Condition: TSC. Review status: no classification provided. Criteria: Tuberous Sclerosis Database Assertion Criteria 2015. Collection method: curation. Allele origin: germline. Affected: yes. Not counted in ClinVar's aggregate classification.

Literature cited by the submitters: PubMed 16199547 (cited by Labcorp Genetics (formerly Invitae), Labcorp); PubMed 10205261 (cited by Labcorp Genetics (formerly Invitae), Labcorp); PubMed 17304050 (cited by Labcorp Genetics (formerly Invitae), Labcorp); PubMed 21811971 (cited by Labcorp Genetics (formerly Invitae), Labcorp).

NM_000548.5(TSC2):c.599+2T>G

Gene: TSC2 (TSC complex subunit 2; plus strand). Cytogenetic location: 16p13.3.
Variant type: single nucleotide variant.
Coding change: c.599+2T>G on transcript NM_000548.5 (MANE Select); the canonical splice donor site of the intron after coding-DNA position 599, T replaced by G.
Molecular consequence: splice donor variant. On other transcripts: intron variant (6).
Genome position (GRCh38, 1-based): chr16:2,055,521, T>G. VCF-style: chr16-2055521-T-G. GRCh37 (hg19) VCF-style: chr16-2105522-T-G.
Other names: c.-1049+2T>G (NM_001406693.1); c.689+2T>G (NM_001406667.1, NM_001406668.1); c.-218+2T>G (NM_001406680.1, NM_001406683.1, NM_001406687.1); c.-833+2T>G (NM_001406689.1, NM_001406690.1, NM_001406692.1 and 2 more transcripts); c.-1009+2T>G (NM_001406698.1); c.599+2T>G (NM_001114382.3, NM_001406663.1, NM_001406664.1 and 8 more transcripts); c.-714+2T>G (NM_001406694.1, NM_001406695.1); c.-821+2T>G (NM_001406696.1); and 6 more.
Identifiers: ClinVar variation 49876 (VCV000049876.11), dbSNP rs45484992, ClinGen allele CA022631.